The following is an entry in ClinVar:

ClinVar aggregate classification (germline): Benign/Likely benign. Review status: criteria provided, multiple submitters, no conflicts (2 of 4 stars). 9 submissions from 9 submitters: Benign (6); Likely benign (1). 2 of the submissions do not count toward it. Last evaluated 2026-02-02.

Conditions:
MYPN-related myopathy (CMYO24). Also called: Nemaline myopathy 11, autosomal recessive. Identifiers: MedGen C4479186, MONDO:0015023, OMIM 617336.
Dilated cardiomyopathy 1KK (CMD1KK). Identifiers: Orphanet 154, Orphanet 75249, MedGen C3714995, MONDO:0014100, OMIM 615248.

Allele frequency attached by ClinVar (database versions not stated): gnomAD exomes 0.00084 and 0.00227; ExAC 0.00271; gnomAD 0.00851 and 0.00919; ESP Exome Variant Server 0.00900; TOPMed 0.00955; 1000 Genomes Project 0.01098; 1000 Genomes Project 30x 0.01124.
gnomAD v4.1: 2,585 of 1,582,512 alleles (0.16%); highest among the groups gnomAD compares: African/African-American, 3%; 45 homozygotes.

Submissions (9):

Labcorp Genetics (formerly Invitae), Labcorp
Classification: Benign for Dilated cardiomyopathy 1KK. Last evaluated: 2026-02-02. Review status: criteria provided, single submitter. Criteria: Invitae Variant Classification Sherloc (09022015). Collection method: clinical testing. Allele origin: germline.

Women's Health and Genetics/Laboratory Corporation of America, LabCorp
Classification: Benign. Last evaluated: 2023-08-19. Review status: criteria provided, single submitter. Criteria: LabCorp Variant Classification Summary - May 2015. Collection method: clinical testing. Allele origin: germline.

ARUP Laboratories, Molecular Genetics and Genomics, ARUP Laboratories
Classification: Benign. Last evaluated: 2022-06-30. Review status: criteria provided, single submitter. Criteria: ARUP Molecular Germline Variant Investigation Process 2021. Collection method: clinical testing. Allele origin: germline.

Fulgent Genetics
Classification: Likely benign for Dilated cardiomyopathy 1KK; MYPN-related myopathy. Last evaluated: 2021-10-20. Review status: criteria provided, single submitter. Criteria: ACMG Guidelines, 2015. Collection method: clinical testing. Allele origin: unknown.

Clinical Genetics DNA and cytogenetics Diagnostics Lab, Erasmus MC, Erasmus Medical Center
Classification: Benign for Dilated cardiomyopathy 1KK. Last evaluated: 2015-09-21. Review status: criteria provided, single submitter. Criteria: ACGS Guidelines, 2013. Collection method: clinical testing. Allele origin: germline. Affected: yes. Study: VKGL Data-share Consensus.

GeneDx
Classification: Benign. Last evaluated: 2014-03-05. Review status: criteria provided, single submitter. Criteria: GeneDx Variant Classification (06012015). Collection method: clinical testing. Allele origin: germline. Affected: yes.
Comment: This variant is considered likely benign or benign based on one or more of the following criteria: it is a conservative change, it occurs at a poorly conserved position in the protein, it is predicted to be benign by multiple in silico algorithms, and/or has population frequency not consistent with disease.

Breakthrough Genomics
Classification: Benign. Review status: criteria provided, single submitter. Criteria: ACMG Guidelines, 2015. Collection method: not provided. Allele origin: germline. Inheritance: Autosomal recessive inheritance. Affected: yes.

Clinical Genetics, Academic Medical Center
Classification: Benign. Review status: no assertion criteria provided. Collection method: clinical testing. Allele origin: germline. Affected: yes. Study: VKGL Data-share Consensus. Not counted in ClinVar's aggregate classification.

Diagnostic Laboratory, Department of Genetics, University Medical Center Groningen
Classification: Likely benign for Dilated cardiomyopathy 1KK. Review status: no assertion criteria provided. Collection method: clinical testing. Allele origin: germline. Affected: yes. Study: VKGL Data-share Consensus. Not counted in ClinVar's aggregate classification.

NM_032578.4(MYPN):c.1245+20A>G

Gene: MYPN (myopalladin; plus strand). Cytogenetic location: 10q21.3.
Variant type: single nucleotide variant.
Coding change: c.1245+20A>G on transcript NM_032578.4 (MANE Select); 20 bases into the intron after coding-DNA position 1245, A replaced by G.
Molecular consequence: intron variant.
Genome position (GRCh38, 1-based): chr10:68,148,487, A>G. VCF-style: chr10-68148487-A-G. GRCh37 (hg19) VCF-style: chr10-69908244-A-G.
Other names: c.1245+20A>G (NM_001256267.2); c.363+20A>G (NM_001256268.2).
Identifiers: ClinVar variation 138417 (VCV000138417.23), dbSNP rs111634581, ClinGen allele CA333119.
Genomic context (GRCh38, chr10:68,148,487, plus strand): 5'-AGCATTTGGTGGCCCAACCTCGTGTGGCAACCATCCAGCAGGTACAAGAATCCAAGCGAA[A>G]CACAAGTGCCATCCACTGTGACAGACAGTCATGGTGACCATGACCATCTTGCATGGCATG-3'